The following is an entry in ClinVar:

ClinVar aggregate classification (germline): Uncertain significance. Review status: criteria provided, multiple submitters, no conflicts (2 of 4 stars). 2 submissions from 2 submitters: Uncertain significance (2). Last evaluated 2025-10-05.

Conditions:
Colorectal cancer, hereditary nonpolyposis, type 7. Identifiers: Orphanet 144, MedGen C1858380, MONDO:0013725, OMIM 614385.

gnomAD v4.1: 2 of 1,613,780 alleles (0.00012%); highest among the groups gnomAD compares: Non-Finnish European, 0.00017%; no homozygotes.

Submissions (2):

Ambry Genetics
Classification: Uncertain significance. Last evaluated: 2025-10-05. Review status: criteria provided, single submitter. Criteria: Ambry Variant Classification Scheme 2023. Collection method: clinical testing. Allele origin: germline.
Comment: The p.R742G variant (also known as c.2224C>G), located in coding exon 1 of the MLH3 gene, results from a C to G substitution at nucleotide position 2224. The arginine at codon 742 is replaced by glycine, an amino acid with dissimilar properties. This amino acid position is conserved. In addition, this alteration is predicted to be tolerated by in silico analysis. Since supporting evidence is limited at this time, the clinical significance of this alteration remains unclear.

Labcorp Genetics (formerly Invitae), Labcorp
Classification: Uncertain significance for Colorectal cancer, hereditary nonpolyposis, type 7. Last evaluated: 2022-05-19. Review status: criteria provided, single submitter. Criteria: Invitae Variant Classification Sherloc (09022015). Collection method: clinical testing. Allele origin: germline.
Comment: In summary, the available evidence is currently insufficient to determine the role of this variant in disease. Therefore, it has been classified as a Variant of Uncertain Significance. This sequence change replaces arginine, which is basic and polar, with glycine, which is neutral and non-polar, at codon 742 of the MLH3 protein (p.Arg742Gly). Algorithms developed to predict the effect of missense changes on protein structure and function (SIFT, PolyPhen-2, Align-GVGD) all suggest that this variant is likely to be tolerated. This variant has not been reported in the literature in individuals affected with MLH3-related conditions. This variant is not present in population databases (gnomAD no frequency).

NM_001040108.2(MLH3):c.2224C>G (p.Arg742Gly)

Gene: MLH3 (mutL homolog 3; minus strand). Cytogenetic location: 14q24.3.
Variant type: single nucleotide variant.
Coding change: c.2224C>G on transcript NM_001040108.2 (MANE Select); coding-DNA position 2224, C replaced by G.
Protein change: p.Arg742Gly; replaces arginine 742 with glycine.
Molecular consequence: missense variant.
Genome position (GRCh38, 1-based): chr14:75,047,432, G>C on the plus strand (C>G on the coding strand, the complement: MLH3 is on the minus strand). VCF-style: chr14-75047432-G-C. GRCh37 (hg19) VCF-style: chr14-75514135-G-C.
Other names: c.2224C>G, p.Arg742Gly (NM_014381.3); short protein forms R742G.
Identifiers: ClinVar variation 1787974 (VCV001787974.9), dbSNP rs774817891, ClinGen allele CA390441174.